The following is an entry in ClinVar:

ClinVar aggregate classification (germline): Pathogenic. Review status: criteria provided, multiple submitters, no conflicts (2 of 4 stars). 2 submissions from 2 submitters: Pathogenic (2). Last evaluated 2025-12-23.

Conditions:
Spastic paraplegia. Identifiers: MedGen C0037772, HP:0001258.
Hereditary spastic paraplegia 46. Also called: Spastic paraplegia 46, autosomal recessive. Identifiers: Orphanet 320391, MedGen C2828721, MONDO:0013737, OMIM 614409.

Allele frequency attached by ClinVar (database versions not stated): ExAC 0.00001; gnomAD 0.00001; gnomAD exomes 0.00001.

Submissions (2):

Labcorp Genetics (formerly Invitae), Labcorp
Classification: Pathogenic for Spastic paraplegia. Last evaluated: 2025-12-23. Review status: criteria provided, single submitter. Criteria: Invitae Variant Classification Sherloc (09022015). Collection method: clinical testing. Allele origin: germline.
Comment: This sequence change creates a premature translational stop signal (p.Arg574*) in the GBA2 gene. It is expected to result in an absent or disrupted protein product. Loss-of-function variants in GBA2 are known to be pathogenic (PMID: 23332916, 23332917). This variant is present in population databases (rs759632589, gnomAD 0.004%). This variant has not been reported in the literature in individuals affected with GBA2-related conditions. ClinVar contains an entry for this variant (Variation ID: 3068747). For these reasons, this variant has been classified as Pathogenic.

Women's Health and Genetics/Laboratory Corporation of America, LabCorp
Classification: Pathogenic for Hereditary spastic paraplegia 46. Last evaluated: 2024-02-27. Review status: criteria provided, single submitter. Criteria: LabCorp Variant Classification Summary - May 2015. Collection method: clinical testing. Allele origin: germline.
Comment: Variant summary: GBA2 c.1720C>T (p.Arg574X) results in a premature termination codon, predicted to cause a truncation of the encoded protein or absence of the protein due to nonsense mediated decay, which are commonly known mechanisms for disease. The variant allele was found at a frequency of 2e-05 in 249792 control chromosomes. To our knowledge, no occurrence of c.1720C>T in individuals affected with Spastic Paraplegia 46, Autosomal Recessive and no experimental evidence demonstrating its impact on protein function have been reported. No submitters have cited clinical-significance assessments for this variant to ClinVar. Based on the evidence outlined above, the variant was classified as pathogenic.

Literature cited by the submitters: PubMed 23332916 (cited by Labcorp Genetics (formerly Invitae), Labcorp); PubMed 23332917 (cited by Labcorp Genetics (formerly Invitae), Labcorp).

NM_020944.3(GBA2):c.1720C>T (p.Arg574Ter)

Gene: GBA2 (glucosylceramidase beta 2; minus strand). Cytogenetic location: 9p13.3.
Variant type: single nucleotide variant.
Coding change: c.1720C>T on transcript NM_020944.3 (MANE Select); coding-DNA position 1720, C replaced by T.
Protein change: p.Arg574Ter; replaces arginine 574 with a stop codon.
Molecular consequence: nonsense.
Genome position (GRCh38, 1-based): chr9:35,739,077, G>A on the plus strand (C>T on the coding strand, the complement: GBA2 is on the minus strand). VCF-style: chr9-35739077-G-A. GRCh37 (hg19) VCF-style: chr9-35739074-G-A.
Other names: c.1720C>T, p.Arg574Ter (NM_001330660.2); short protein forms R574*.
Identifiers: ClinVar variation 3068747 (VCV003068747.3), dbSNP rs759632589, ClinGen allele CA5050304.